The following is an entry in ClinVar:

ClinVar aggregate classification (germline): Uncertain significance (1 of 4 stars; one submission).

Conditions:
Cardiovascular phenotype. Identifiers: MedGen CN230736.

Submission:

Ambry Genetics
Classification: Uncertain significance for Cardiovascular phenotype. Last evaluated: 2021-03-05. Review status: criteria provided, single submitter. Criteria: Ambry Variant Classification Scheme 2023. Collection method: clinical testing. Allele origin: germline.
Comment: The p.E243D variant (also known as c.729G>C), located in coding exon 8 of the TPM1 gene, results from a G to C substitution at nucleotide position 729. The glutamic acid at codon 243 is replaced by aspartic acid, an amino acid with highly similar properties. This amino acid position is highly conserved in available vertebrate species. In addition, this alteration is predicted to be deleterious by in silico analysis. Since supporting evidence is limited at this time, the clinical significance of this alteration remains unclear.

NM_001018005.2(TPM1):c.729G>C (p.Glu243Asp)

Gene: TPM1 (tropomyosin 1; plus strand). Cytogenetic location: 15q22.2.
Variant type: single nucleotide variant.
Coding change: c.729G>C on transcript NM_001018005.2 (MANE Select); coding-DNA position 729, G replaced by C.
Protein change: p.Glu243Asp; replaces glutamic acid 243 with aspartic acid.
Molecular consequence: missense variant.
Genome position (GRCh38, 1-based): chr15:63,062,602, G>C. VCF-style: chr15-63062602-G-C. GRCh37 (hg19) VCF-style: chr15-63354801-G-C.
Other names: c.729G>C, p.Glu243Asp (NM_000366.6, NM_001018004.2, NM_001018006.2 and 20 more transcripts); c.621G>C, p.Glu207Asp (NM_001018008.2, NM_001301289.2, NM_001330344.2 and 9 more transcripts); c.855G>C, p.Glu285Asp (NM_001365778.1, NM_001407322.1, NM_001407323.1 and 1 more transcripts); short protein forms E243D, E285D, E207D.
Identifiers: ClinVar variation 1758163 (VCV001758163.2), dbSNP rs909096208, ClinGen allele CA392724592.